The following is an entry in ClinVar:

ClinVar aggregate classification (germline): Likely benign. Review status: criteria provided, multiple submitters, no conflicts (2 of 4 stars). 3 submissions from 3 submitters: Likely benign (3). Last evaluated 2026-06-18.

Conditions:
Wilson disease (WND). Also called: Wilson's disease. Identifiers: Orphanet 905, MedGen C0019202, MONDO:0010200, OMIM 277900. Disease mechanism: loss of function.
ATP7B-related disorder. Also called: ATP7B-related condition.

Allele frequency attached by ClinVar (database versions not stated): TOPMed below 0.00001; gnomAD 0.00001; gnomAD exomes 0.00001 and 0.00002; ExAC 0.00002.
gnomAD v4.1: 24 of 1,614,202 alleles (0.0015%); highest among the groups gnomAD compares: South Asian, 0.021%; no homozygotes.

Submissions (3):

PreventionGenetics, part of Exact Sciences
Classification: Likely benign for ATP7B-related condition. Last evaluated: 2026-06-18. Review status: criteria provided, single submitter. Criteria: ACMG Guidelines, 2015. Collection method: clinical testing. Allele origin: germline.
Comment: This variant is classified as likely benign based on ACMG/AMP sequence variant interpretation guidelines (Richards et al. 2015 PMID: 25741868, with internal and published modifications).

Color Diagnostics, LLC DBA Color Health
Classification: Likely benign for Wilson disease. Last evaluated: 2025-06-03. Review status: criteria provided, single submitter. Criteria: ACMG Guidelines, 2015. Collection method: clinical testing. Allele origin: germline.

Labcorp Genetics (formerly Invitae), Labcorp
Classification: Likely benign for Wilson disease. Last evaluated: 2023-05-27. Review status: criteria provided, single submitter. Criteria: Invitae Variant Classification Sherloc (09022015). Collection method: clinical testing. Allele origin: germline.

NM_000053.4(ATP7B):c.3342C>T (p.Ala1114=)

Gene: ATP7B (ATPase copper transporting beta; minus strand). Cytogenetic location: 13q14.3.
Variant type: single nucleotide variant.
Coding change: c.3342C>T on transcript NM_000053.4 (MANE Select); coding-DNA position 3342, C replaced by T.
Protein change: p.Ala1114=; no amino-acid change (alanine 1114 retained).
Molecular consequence: synonymous variant.
Genome position (GRCh38, 1-based): chr13:51,942,456, G>A on the plus strand (C>T on the coding strand, the complement: ATP7B is on the minus strand). VCF-style: chr13-51942456-G-A. GRCh37 (hg19) VCF-style: chr13-52516592-G-A.
Other names: c.2721C>T, p.Ala907= (NM_001005918.3); c.3009C>T, p.Ala1003= (NM_001243182.2); c.3108C>T, p.Ala1036= (NM_001330578.2); c.3090C>T, p.Ala1030= (NM_001330579.2); c.3342C>T (NM_000053.3).
Identifiers: ClinVar variation 1587269 (VCV001587269.9), dbSNP rs748614005, ClinGen allele CA6988731.